The following is an entry in ClinVar:

NM_153676.4(USH1C):c.649_650delinsA (p.Val217fs)

Gene: USH1C (USH1 protein network component harmonin; minus strand). Cytogenetic location: 11p15.1.
Variant type: Indel.
Coding change: c.649_650delinsA on transcript NM_153676.4 (MANE Select); coding-DNA positions 649 to 650, GT replaced by A.
Protein change: p.Val217fs; shifts the reading frame from valine 217.
Molecular consequence: frameshift variant. On other transcripts: non-coding transcript variant (1).
Genome position (GRCh38, 1-based): chr11:17,526,371-17,526,372, AC replaced by T on the plus strand (GT replaced by A on the coding strand, the reverse complement: USH1C is on the minus strand). VCF-style: chr11-17526371-AC-T. GRCh37 (hg19) VCF-style: chr11-17547918-AC-T.
Other names: c.649_650delinsA, p.Val217fs (NM_001297764.2, NM_001440680.1, NM_001440681.1 and 5 more transcripts); c.682_683delinsA, p.Val228fs (NM_001440679.1, NM_001440684.1, NM_001440686.1); short protein forms V217fs, V228fs.
Identifiers: ClinVar variation 5012323 (VCV005012323.1).
Genomic context (GRCh38, chr11:17,526,371, plus strand): 5'-GGCCACGAATGACCCCAGGGCATGCCTGCCACCCACCTGCAGCCAAGGCCTCGGGAGCCT[AC>T]CAGGCTGATGAAGACCTTCTTCTCCTTGTTTTCCCGATTTCCAGGGGAGCCCAGGCTGCC-3'

ClinVar aggregate classification (germline): Pathogenic (1 of 4 stars; one submission).

Conditions:
Usher syndrome type 1C. Also called: USHER SYNDROME, TYPE I, ACADIAN VARIETY. Identifiers: Orphanet 231169, Orphanet 886, MedGen C1848604, MONDO:0010171, OMIM 276904.

Submission:

Myriad Genetics, Inc.
Classification: Pathogenic for Usher syndrome type 1C. Last evaluated: 2023-09-27. Review status: criteria provided, single submitter. Criteria: Myriad Autosomal Dominant, Autosomal Recessive and X-Linked Classification Criteria (2023). Collection method: clinical testing. Allele origin: unknown.
Comment: NM_005709.3(USH1C):c.649_650delGTinsA(V217Kfs*25) is expected to be pathogenic in the context of USH1C-related disorders. This variant is predicted to lead to an abnormal or absent protein product due to the creation of a premature termination codon in USH1C, a gene where loss-of-function variants are known to be pathogenic. Please note: this variant was assessed in the context of healthy population screening.